The following is an entry in ClinVar:

ClinVar aggregate classification (germline): Uncertain significance (1 of 4 stars; one submission).

gnomAD v4.1: 2 of 1,613,770 alleles (0.00012%); highest among the groups gnomAD compares: Non-Finnish European, 0.000085%; no homozygotes.

Submission:

Women's Health and Genetics/Laboratory Corporation of America, LabCorp
Classification: Uncertain significance. Last evaluated: 2025-04-22. Review status: criteria provided, single submitter. Criteria: LabCorp Variant Classification Summary - May 2015. Collection method: clinical testing. Allele origin: germline.
Comment: Variant summary: GALNS c.971C>T (p.Ala324Val) results in a non-conservative amino acid change in the encoded protein sequence. Four of five in-silico tools predict a damaging effect of the variant on protein function. The variant was absent in 250308 control chromosomes. The available data on variant occurrences in the general population are insufficient to allow any conclusion about variant significance. To our knowledge, no occurrence of c.971C>T in individuals affected with Mucopolysaccharidosis Type IVA (Morquio Syndrome A) and no experimental evidence demonstrating its impact on protein function have been reported. No submitters have cited clinical-significance assessments for this variant to ClinVar. Based on the evidence outlined above, the variant was classified as uncertain significance.

NM_000512.5(GALNS):c.971C>T (p.Ala324Val)

Gene: GALNS (galactosamine (N-acetyl)-6-sulfatase; minus strand). Cytogenetic location: 16q24.3.
Variant type: single nucleotide variant.
Coding change: c.971C>T on transcript NM_000512.5 (MANE Select); coding-DNA position 971, C replaced by T.
Protein change: p.Ala324Val; replaces alanine 324 with valine.
Molecular consequence: missense variant.
Genome position (GRCh38, 1-based): chr16:88,832,029, G>A on the plus strand (C>T on the coding strand, the complement: GALNS is on the minus strand). VCF-style: chr16-88832029-G-A. GRCh37 (hg19) VCF-style: chr16-88898437-G-A.
Other names: c.416C>T, p.Ala139Val (NM_001323543.2); c.989C>T, p.Ala330Val (NM_001323544.2); short protein forms A139V, A324V, A330V.
Identifiers: ClinVar variation 3896126 (VCV003896126.2).